The following is an entry in ClinVar:

ClinVar aggregate classification (germline): Uncertain significance (1 of 4 stars; one submission).

Submission:

Labcorp Genetics (formerly Invitae), Labcorp
Classification: Uncertain significance. Last evaluated: 2024-08-19. Review status: criteria provided, single submitter. Criteria: Invitae Variant Classification Sherloc (09022015). Collection method: clinical testing. Allele origin: germline.
Comment: This variant, c.1351_1353del, results in the deletion of 1 amino acid(s) of the ARID1B protein (p.Ser451del), but otherwise preserves the integrity of the reading frame. The frequency data for this variant in the population databases is considered unreliable, as metrics indicate insufficient coverage at this position in the gnomAD database. This variant has not been reported in the literature in individuals affected with ARID1B-related conditions. Experimental studies and prediction algorithms are not available or were not evaluated, and the functional significance of this variant is currently unknown. In summary, the available evidence is currently insufficient to determine the role of this variant in disease. Therefore, it has been classified as a Variant of Uncertain Significance.

NM_001374828.1(ARID1B):c.1600_1602del (p.Ser534del)

Gene: ARID1B (AT-rich interaction domain 1B; plus strand). Cytogenetic location: 6q25.3.
Variant type: Deletion.
Coding change: c.1600_1602del on transcript NM_001374828.1 (MANE Select); coding-DNA positions 1600 to 1602, 3 bases deleted (TCG; older notation c.1600_1602delTCG).
Protein change: p.Ser534del; deletes serine 534.
Genome position (GRCh38, 1-based): chr6:156,779,280-156,779,282, TCG deleted; deleting any 3 consecutive bases within chr6:156,779,278-156,779,282 gives the same sequence; the c. name uses the placement nearest the transcript's 3' end. VCF-style (leftmost placement, unchanged base first): chr6-156779277-CCGT-C. GRCh37 (hg19) VCF-style: chr6-157100411-CCGT-C.
Other names: c.1600_1602del, p.Ser534del (NM_001371656.1, NM_001374820.1, NM_017519.3); short protein forms S534del.
Identifiers: ClinVar variation 3714471 (VCV003714471.2).
Genomic context (GRCh38, chr6:156,779,277, plus strand): 5'-ATGCGGAGCTACGGCGGCAGCTACCCCGAGTACAGCAGCCCCAGCGCGCCGCCGCCGCCG[CCGT>C]CGCAGCCCCAGTCCCAGGCGGCGGCGGCGGGGGCGGCGGCGGGCGGCCAGCAGGCGGCCG-3'